The following is an entry in ClinVar:

NM_213599.3(ANO5):c.11C>A (p.Pro4Gln)

Gene: ANO5 (anoctamin 5; plus strand). Cytogenetic location: 11p14.3.
Variant type: single nucleotide variant.
Coding change: c.11C>A on transcript NM_213599.3 (MANE Select); coding-DNA position 11, C replaced by A.
Protein change: p.Pro4Gln; replaces proline 4 with glutamine.
Molecular consequence: missense variant.
Genome position (GRCh38, 1-based): chr11:22,193,503, C>A. VCF-style: chr11-22193503-C-A. GRCh37 (hg19) VCF-style: chr11-22215049-C-A.
Other names: c.11C>A, p.Pro4Gln (NM_001142649.2); short protein forms P4Q.
Identifiers: ClinVar variation 450824 (VCV000450824.11), dbSNP rs376116831, ClinGen allele CA379921893.

ClinVar aggregate classification (germline): Uncertain significance. Review status: criteria provided, multiple submitters, no conflicts (2 of 4 stars). 2 submissions from 2 submitters: Uncertain significance (2). Last evaluated 2022-02-22.

Conditions:
Autosomal recessive limb-girdle muscular dystrophy type 2L (LGMDR12). Also called: Limb-Girdle Muscular Dystrophy R12 Anoctamin-5-Related (LGMD-R12); Limb-girdle muscular dystrophy, type 2L; MUSCULAR DYSTROPHY, LIMB-GIRDLE, AUTOSOMAL RECESSIVE 12. Identifiers: Orphanet 206549, MedGen C1969785, MONDO:0012652, OMIM 611307.
Gnathodiaphyseal dysplasia (GDD). Also called: GNATHODIAPHYSEAL SCLEROSIS; OSTEOGENESIS IMPERFECTA WITH UNUSUAL SKELETAL LESIONS. Identifiers: Orphanet 53697, MedGen C1833736, MONDO:0008151, OMIM 166260.

gnomAD v4.1: 1 of 1,613,010 alleles (0.000062%); highest among the groups gnomAD compares: Non-Finnish European, 0.000085%; no homozygotes.

Submissions (2):

Labcorp Genetics (formerly Invitae), Labcorp
Classification: Uncertain significance for Autosomal recessive limb-girdle muscular dystrophy type 2L; Gnathodiaphyseal dysplasia. Last evaluated: 2022-02-22. Review status: criteria provided, single submitter. Criteria: Invitae Variant Classification Sherloc (09022015). Collection method: clinical testing. Allele origin: germline.
Comment: In summary, the available evidence is currently insufficient to determine the role of this variant in disease. Therefore, it has been classified as a Variant of Uncertain Significance. Advanced modeling of protein sequence and biophysical properties (such as structural, functional, and spatial information, amino acid conservation, physicochemical variation, residue mobility, and thermodynamic stability) performed at Invitae indicates that this missense variant is expected to disrupt ANO5 protein function. ClinVar contains an entry for this variant (Variation ID: 450824). This variant has not been reported in the literature in individuals affected with ANO5-related conditions. This variant is not present in population databases (gnomAD no frequency). This sequence change replaces proline, which is neutral and non-polar, with glutamine, which is neutral and polar, at codon 4 of the ANO5 protein (p.Pro4Gln).

GeneDx
Classification: Uncertain significance. Last evaluated: 2017-08-02. Review status: criteria provided, single submitter. Criteria: GeneDx Variant Classification (06012015). Collection method: clinical testing. Allele origin: germline. Affected: yes.
Comment: The P4Q variant in the ANO5 gene has not been reported previously as a pathogenic variant, nor as a benign variant, to our knowledge. The P4Q variant is not observed in large population cohorts (Lek et al., 2016; 1000 Genomes Consortium et al., 2015; Exome Variant Server). The P4Q variant is a non-conservative amino acid substitution, which is likely to impact secondary protein structure as these residues differ in polarity, charge, size and/or other properties. This substitution occurs at a position that is conserved in mammals. In silico analysis is inconsistent in its predictions as to whether or not the variant is damaging to the protein structure/function. We interpret P4Q as a variant of uncertain significance.